The following is an entry in ClinVar:

ClinVar aggregate classification (germline): Uncertain significance (1 of 4 stars; one submission).

Conditions:
Idiopathic Pulmonary Fibrosis. Also called: Idiopathic fibrosing alveolitis, chronic form; idiopathic fibrosing alveolitis. Identifiers: Orphanet 2032, MedGen C1800706, MeSH D054990, MONDO:0800504.
Dyskeratosis congenita, autosomal dominant 2. Identifiers: MedGen C3151443, MONDO:0013521, OMIM 613989.

Submission:

Labcorp Genetics (formerly Invitae), Labcorp
Classification: Uncertain significance for Dyskeratosis congenita, autosomal dominant 2; Idiopathic Pulmonary Fibrosis. Last evaluated: 2022-08-28. Review status: criteria provided, single submitter. Criteria: Invitae Variant Classification Sherloc (09022015). Collection method: clinical testing. Allele origin: germline.
Comment: In summary, the available evidence is currently insufficient to determine the role of this variant in disease. Therefore, it has been classified as a Variant of Uncertain Significance. Advanced modeling of protein sequence and biophysical properties (such as structural, functional, and spatial information, amino acid conservation, physicochemical variation, residue mobility, and thermodynamic stability) performed at Invitae indicates that this missense variant is expected to disrupt TERT protein function. This variant has not been reported in the literature in individuals affected with TERT-related conditions. This variant is not present in population databases (gnomAD no frequency). This sequence change replaces leucine, which is neutral and non-polar, with arginine, which is basic and polar, at codon 505 of the TERT protein (p.Leu505Arg).

NM_198253.3(TERT):c.1514T>G (p.Leu505Arg)

Gene: TERT (telomerase reverse transcriptase; minus strand). Cytogenetic location: 5p15.33.
Variant type: single nucleotide variant.
Coding change: c.1514T>G on transcript NM_198253.3 (MANE Select); coding-DNA position 1514, T replaced by G.
Protein change: p.Leu505Arg; replaces leucine 505 with arginine.
Molecular consequence: missense variant. On other transcripts: non-coding transcript variant (2).
Genome position (GRCh38, 1-based): chr5:1,293,372, A>C on the plus strand (T>G on the coding strand, the complement: TERT is on the minus strand). VCF-style: chr5-1293372-A-C. GRCh37 (hg19) VCF-style: chr5-1293487-A-C.
Other names: c.1514T>G, p.Leu505Arg (NM_001193376.3, NM_003219.1); short protein forms L505R.
Identifiers: ClinVar variation 1718202 (VCV001718202.6), dbSNP rs1344847833, ClinGen allele CA359085226.